The following is an entry in ClinVar:

ClinVar aggregate classification (germline): Uncertain significance (1 of 4 stars; one submission).

Conditions:
Hereditary cancer-predisposing syndrome. Also called: Neoplastic Syndromes, Hereditary; Tumor predisposition; Hereditary Cancer Syndrome; Hereditary neoplastic syndrome. Identifiers: Orphanet 140162, MedGen C0027672, MeSH D009386, MONDO:0015356.

Allele frequency attached by ClinVar (database versions not stated): TOPMed below 0.00001.

Submission:

Ambry Genetics
Classification: Uncertain significance for Hereditary cancer-predisposing syndrome. Last evaluated: 2025-07-05. Review status: criteria provided, single submitter. Criteria: Ambry Variant Classification Scheme 2023. Collection method: clinical testing. Allele origin: germline.
Comment: The p.P218R variant (also known as c.653C>G), located in coding exon 3 of the PHOX2B gene, results from a C to G substitution at nucleotide position 653. The proline at codon 218 is replaced by arginine, an amino acid with dissimilar properties. This amino acid position is not well conserved in available vertebrate species. In addition, this alteration is predicted to be tolerated by in silico analysis. Since supporting evidence is limited at this time, the clinical significance of this alteration remains unclear.

NM_003924.4(PHOX2B):c.653C>G (p.Pro218Arg)

Gene: PHOX2B (paired like homeobox 2B; minus strand). Cytogenetic location: 4p13.
Variant type: single nucleotide variant.
Coding change: c.653C>G on transcript NM_003924.4 (MANE Select); coding-DNA position 653, C replaced by G.
Protein change: p.Pro218Arg; replaces proline 218 with arginine.
Molecular consequence: missense variant.
Genome position (GRCh38, 1-based): chr4:41,746,099, G>C on the plus strand (C>G on the coding strand, the complement: PHOX2B is on the minus strand). VCF-style: chr4-41746099-G-C. GRCh37 (hg19) VCF-style: chr4-41748116-G-C.
Other names: short protein forms P218R.
Identifiers: ClinVar variation 1754098 (VCV001754098.3), dbSNP rs1733887627, ClinGen allele CA356737494.